The following is an entry in ClinVar:

NM_058216.3(RAD51C):c.237dup (p.Glu80Ter)

Gene: RAD51C (RAD51 paralog C; plus strand). Cytogenetic location: 17q22.
Variant type: Duplication.
Coding change: c.237dup on transcript NM_058216.3 (MANE Select); coding-DNA position 237, one base duplicated (T; older notation c.237dupT).
Protein change: p.Glu80Ter; replaces glutamic acid 80 with a stop codon.
Molecular consequence: nonsense. On other transcripts: frameshift variant (2), non-coding transcript variant (2).
Genome position (GRCh38, 1-based): chr17:58,695,022, T duplicated. VCF-style (leftmost placement, unchanged base first): chr17-58695021-C-CT. GRCh37 (hg19) VCF-style: chr17-56772382-C-CT.
Other names: c.237dupT (NM_058216.1); c.237dup, p.Glu80Ter (NM_002876.4); c.237dup, p.Glu80Terfs (NM_058217.1); short protein forms E80*.
Identifiers: ClinVar variation 1790417 (VCV001790417.5), dbSNP rs2509274346, ClinGen allele CA2580094363.

ClinVar aggregate classification (germline): Pathogenic. Review status: criteria provided, multiple submitters, no conflicts (2 of 4 stars). 4 submissions from 4 submitters: Pathogenic (4). Last evaluated 2025-09-18.

Conditions:
Hereditary cancer-predisposing syndrome. Also called: Neoplastic Syndromes, Hereditary; Tumor predisposition; Hereditary neoplastic syndrome; Hereditary Cancer Syndrome. Identifiers: Orphanet 140162, MedGen C0027672, MeSH D009386, MONDO:0015356.
Breast-ovarian cancer, familial, susceptibility to, 3. Also called: RAD51C-Related Breast/Ovarian Cancer. Identifiers: Orphanet 145, MedGen C3150659, MONDO:0013253, OMIM 613399.
Fanconi anemia complementation group O. Also called: RAD51C-Related Fanconi Anemia. Identifiers: Orphanet 84, MedGen C3150653, MONDO:0013248, OMIM 613390.

Submissions (4):

Color Diagnostics, LLC DBA Color Health
Classification: Pathogenic for Hereditary cancer-predisposing syndrome. Last evaluated: 2025-09-18. Review status: criteria provided, single submitter. Criteria: ACMG Guidelines, 2015. Collection method: clinical testing. Allele origin: germline.
Comment: This variant inserts 1 nucleotide in exon 2 of the RAD51C gene, creating a frameshift and premature translation stop signal. This variant is expected to result in an absent or non-functional protein product. To our knowledge, this variant has not been reported in individuals affected with RAD51C-related disorders in the literature. This variant has not been identified in the general population by the Genome Aggregation Database (gnomAD). Loss of RAD51C function is a known mechanism of disease. Based on the available evidence, this variant is classified as Pathogenic.

Labcorp Genetics (formerly Invitae), Labcorp
Classification: Pathogenic for Fanconi anemia complementation group O. Last evaluated: 2024-04-22. Review status: criteria provided, single submitter. Criteria: Invitae Variant Classification Sherloc (09022015). Collection method: clinical testing. Allele origin: germline.
Comment: This sequence change creates a premature translational stop signal (p.Glu80*) in the RAD51C gene. It is expected to result in an absent or disrupted protein product. Loss-of-function variants in RAD51C are known to be pathogenic (PMID: 20400964, 21990120, 24800917, 29278735). This variant is not present in population databases (gnomAD no frequency). This variant has not been reported in the literature in individuals affected with RAD51C-related conditions. ClinVar contains an entry for this variant (Variation ID: 1790417). For these reasons, this variant has been classified as Pathogenic.

Myriad Genetics, Inc.
Classification: Pathogenic for Breast-ovarian cancer, familial, susceptibility to, 3. Last evaluated: 2024-01-02. Review status: criteria provided, single submitter. Criteria: Myriad Autosomal Dominant, Autosomal Recessive and X-Linked Classification Criteria (2023). Collection method: clinical testing. Allele origin: unknown.
Comment: This variant is considered pathogenic. This variant creates a termination codon and is predicted to result in premature protein truncation.

Ambry Genetics
Classification: Pathogenic for Hereditary cancer-predisposing syndrome. Last evaluated: 2021-09-09. Review status: criteria provided, single submitter. Criteria: Ambry Variant Classification Scheme 2023. Collection method: clinical testing. Allele origin: germline.
Comment: The c.237dupT pathogenic mutation, located in coding exon 2 of the RAD51C gene, results from a duplication of T at nucleotide position 237, causing a translational frameshift with a predicted alternate stop codon (p.E80*). This alteration is expected to result in loss of function by premature protein truncation or nonsense-mediated mRNA decay. As such, this alteration is interpreted as a disease-causing mutation.

Literature cited by the submitters: PubMed 20400964 (cited by Labcorp Genetics (formerly Invitae), Labcorp); PubMed 21990120 (cited by Labcorp Genetics (formerly Invitae), Labcorp); PubMed 24800917 (cited by Labcorp Genetics (formerly Invitae), Labcorp); PubMed 29278735 (cited by Labcorp Genetics (formerly Invitae), Labcorp).